The following is an entry in ClinVar:

NM_001005242.3(PKP2):c.695A>G (p.Asp232Gly)

Gene: PKP2 (plakophilin 2; minus strand). Cytogenetic location: 12p11.21.
Variant type: single nucleotide variant.
Coding change: c.695A>G on transcript NM_001005242.3 (MANE Select); coding-DNA position 695, A replaced by G.
Protein change: p.Asp232Gly; replaces aspartic acid 232 with glycine.
Molecular consequence: missense variant.
Genome position (GRCh38, 1-based): chr12:32,878,185, T>C on the plus strand (A>G on the coding strand, the complement: PKP2 is on the minus strand). VCF-style: chr12-32878185-T-C. GRCh37 (hg19) VCF-style: chr12-33031119-T-C.
Other names: c.695A>G, p.Asp232Gly (NM_001407155.1, NM_001407156.1, NM_001407157.1 and 2 more transcripts); c.368A>G, p.Asp123Gly (NM_001407158.1, NM_001407159.1, NM_001407160.1 and 1 more transcripts); short protein forms D232G, D123G.
Identifiers: ClinVar variation 2278258 (VCV002278258.3), dbSNP rs2541340287, ClinGen allele CA384363274.
Genomic context (GRCh38, chr12:32,878,185, plus strand): 5'-ATGCTGCGGCTGGTCCCTGGCCTGGGGTACGTGAGCAGGGCCGGGTTGGCAGGGATGCTG[T>C]CAAAAACGGTGTCGCTAACAGAGCCATGCTGGTACTGTCTGTGGTATGTGTCAAAGTGGC-3'
Protein context (NP_001005242.2, residues 222-242): QHGSVSDTVF[Asp232Gly]SIPANPALLT

ClinVar aggregate classification (germline): Uncertain significance (1 of 4 stars; one submission).

Conditions:
Cardiovascular phenotype. Identifiers: MedGen CN230736.

Submission:

Ambry Genetics
Classification: Uncertain significance for Cardiovascular phenotype. Last evaluated: 2024-05-30. Review status: criteria provided, single submitter. Criteria: Ambry Variant Classification Scheme 2023. Collection method: clinical testing. Allele origin: germline.
Comment: The p.D232G variant (also known as c.695A>G), located in coding exon 3 of the PKP2 gene, results from an A to G substitution at nucleotide position 695. The aspartic acid at codon 232 is replaced by glycine, an amino acid with similar properties. This amino acid position is conserved. In addition, this alteration is predicted to be tolerated by in silico analysis. Based on the available evidence, the clinical significance of this variant remains unclear.